The following is an entry in ClinVar:

ClinVar aggregate classification (germline): Uncertain significance. Review status: criteria provided, multiple submitters, no conflicts (2 of 4 stars). 3 submissions from 3 submitters: Uncertain significance (3). Last evaluated 2024-12-27.

Conditions:
Inborn genetic diseases. Identifiers: MedGen C0950123, MeSH D030342.
Fanconi anemia complementation group A (FANCA). Also called: FANCA-Related Fanconi Anemia; Fanconi anemia, group A. Identifiers: Orphanet 84, MedGen C3469521, MONDO:0009215, OMIM 227650.
Fanconi anemia (FA). Also called: Fanconi's anemia. Identifiers: Orphanet 84, MedGen C0015625, MeSH D005199, MONDO:0019391.

gnomAD v4.1: 1 of 1,610,336 alleles (0.000062%); highest among the groups gnomAD compares: Non-Finnish European, 0.000085%; no homozygotes.

Submissions (3):

Ambry Genetics
Classification: Uncertain significance for Inborn genetic diseases. Last evaluated: 2024-12-27. Review status: criteria provided, single submitter. Criteria: Ambry Variant Classification Scheme 2023. Collection method: clinical testing. Allele origin: germline.
Comment: The p.P738A variant (also known as c.2212C>G), located in coding exon 24 of the FANCA gene, results from a C to G substitution at nucleotide position 2212. The proline at codon 738 is replaced by alanine, an amino acid with highly similar properties. This amino acid position is conserved. In addition, this alteration is predicted to be tolerated by in silico analysis. Based on the available evidence, the clinical significance of this variant remains unclear.

Fulgent Genetics
Classification: Uncertain significance for Fanconi anemia complementation group A. Last evaluated: 2024-02-26. Review status: criteria provided, single submitter. Criteria: ACMG Guidelines, 2015. Collection method: clinical testing. Allele origin: germline.

Labcorp Genetics (formerly Invitae), Labcorp
Classification: Uncertain significance for Fanconi anemia. Last evaluated: 2022-08-09. Review status: criteria provided, single submitter. Criteria: Invitae Variant Classification Sherloc (09022015). Collection method: clinical testing. Allele origin: germline.
Comment: This sequence change replaces proline, which is neutral and non-polar, with alanine, which is neutral and non-polar, at codon 738 of the FANCA protein (p.Pro738Ala). This variant is not present in population databases (gnomAD no frequency). This variant has not been reported in the literature in individuals affected with FANCA-related conditions. ClinVar contains an entry for this variant (Variation ID: 1388077). Algorithms developed to predict the effect of missense changes on protein structure and function are either unavailable or do not agree on the potential impact of this missense change (SIFT: "Deleterious"; PolyPhen-2: "Possibly Damaging"; Align-GVGD: "Class C0"). In summary, the available evidence is currently insufficient to determine the role of this variant in disease. Therefore, it has been classified as a Variant of Uncertain Significance.

NM_000135.4(FANCA):c.2212C>G (p.Pro738Ala)

Gene: FANCA (FA complementation group A; minus strand). Cytogenetic location: 16q24.3.
Variant type: single nucleotide variant.
Coding change: c.2212C>G on transcript NM_000135.4 (MANE Select); coding-DNA position 2212, C replaced by G.
Protein change: p.Pro738Ala; replaces proline 738 with alanine.
Molecular consequence: missense variant.
Genome position (GRCh38, 1-based): chr16:89,770,574, G>C on the plus strand (C>G on the coding strand, the complement: FANCA is on the minus strand). VCF-style: chr16-89770574-G-C. GRCh37 (hg19) VCF-style: chr16-89836982-G-C.
Other names: c.2212C>G (NM_000135.2); c.2212C>G, p.Pro738Ala (NM_001286167.3); short protein forms P738A.
Identifiers: ClinVar variation 1388077 (VCV001388077.7), dbSNP rs751015814, ClinGen allele CA397447046.